The following is an entry in ClinVar:

ClinVar aggregate classification (germline): Uncertain significance (1 of 4 stars; one submission).

Conditions:
RASopathy. Also called: Noonan spectrum disorder; rasopathies. Identifiers: Orphanet 536391, MedGen C5555857, MONDO:0021060.

Submission:

Labcorp Genetics (formerly Invitae), Labcorp
Classification: Uncertain significance for RASopathy. Last evaluated: 2025-05-07. Review status: criteria provided, single submitter. Criteria: Invitae Variant Classification Sherloc (09022015). Collection method: clinical testing. Allele origin: germline.
Comment: This variant, c.1896_1898del, results in the deletion of 1 amino acid(s) of the RAF1 protein (p.Glu632del), but otherwise preserves the integrity of the reading frame. This variant is not present in population databases (gnomAD no frequency). This variant has not been reported in the literature in individuals affected with RAF1-related conditions. Experimental studies and prediction algorithms are not available or were not evaluated, and the functional significance of this variant is currently unknown. In summary, the available evidence is currently insufficient to determine the role of this variant in disease. Therefore, it has been classified as a Variant of Uncertain Significance.

NM_002880.4(RAF1):c.1896_1898del (p.Glu632del)

Gene: RAF1 (Raf-1 proto-oncogene, serine/threonine kinase; minus strand). Cytogenetic location: 3p25.2.
Variant type: Deletion.
Coding change: c.1896_1898del on transcript NM_002880.4 (MANE Select); coding-DNA positions 1896 to 1898, 3 bases deleted (GGA; older notation c.1896_1898delGGA).
Protein change: p.Glu632del; deletes glutamic acid 632.
Molecular consequence: inframe deletion. On other transcripts: non-coding transcript variant (3).
Genome position (GRCh38, 1-based): chr3:12,584,563-12,584,565, TCC deleted on the plus strand (GGA on the coding strand, the reverse complement: RAF1 is on the minus strand); deleting any 3 consecutive bases within chr3:12,584,563-12,584,567 gives the same sequence; the c. name uses the placement nearest the transcript's 3' end. VCF-style (leftmost placement, unchanged base first): chr3-12584562-ATCC-A. GRCh37 (hg19) VCF-style: chr3-12626061-ATCC-A.
Other names: c.1956_1958del, p.Glu652del (NM_001354689.3); c.1896_1898del, p.Glu632del (NM_001354690.3); c.1653_1655del, p.Glu551del (NM_001354691.3, NM_001354692.3); c.1797_1799del, p.Glu599del (NM_001354693.3); c.1713_1715del, p.Glu571del (NM_001354694.3); c.1554_1556del, p.Glu518del (NM_001354695.3); short protein forms E551del, E518del, E599del, E652del, E571del, E632del.
Identifiers: ClinVar variation 4719141 (VCV004719141.1).